The following is an entry in ClinVar:

ClinVar aggregate classification (germline): Conflicting classifications of pathogenicity. Review status: criteria provided, conflicting classifications (1 of 4 stars). 4 submissions from 4 submitters: Uncertain significance (2); Benign (1). 1 of the submissions does not count toward it. Last evaluated 2025-10-28.

Conditions:
Hereditary cancer-predisposing syndrome. Also called: Neoplastic Syndromes, Hereditary; Hereditary neoplastic syndrome; Hereditary Cancer Syndrome; Tumor predisposition. Identifiers: Orphanet 140162, MedGen C0027672, MeSH D009386, MONDO:0015356.
POLD1-related polyposis and colorectal cancer syndrome (CRCS10). Also called: Colorectal cancer, susceptibility to, 10; Colorectal cancer 10; COLORECTAL CANCER, SUSCEPTIBILITY TO, ON CHROMOSOME 19q. Identifiers: Orphanet 220460, MedGen C2675481, MONDO:0012953, OMIM 612591.

Allele frequency attached by ClinVar (database versions not stated): ExAC 0.00017.
gnomAD v4.1: 14 of 1,560,322 alleles (0.0009%); highest among the groups gnomAD compares: Admixed American, 0.025%; no homozygotes.

Submissions (4):

Labcorp Genetics (formerly Invitae), Labcorp
Classification: Uncertain significance for POLD1-related polyposis and colorectal cancer syndrome. Last evaluated: 2025-10-28. Review status: criteria provided, single submitter. Criteria: Invitae Variant Classification Sherloc (09022015). Collection method: clinical testing. Allele origin: germline.
Comment: This sequence change replaces arginine, which is basic and polar, with glutamine, which is neutral and polar, at codon 985 of the POLD1 protein (p.Arg985Gln). This variant is present in population databases (rs749159160, gnomAD 0.04%), and has an allele count higher than expected for a pathogenic variant. This variant has not been reported in the literature in individuals affected with POLD1-related conditions. ClinVar contains an entry for this variant (Variation ID: 408002). An algorithm developed to predict the effect of missense changes on protein structure and function (PolyPhen-2) suggests that this variant is likely to be disruptive. In summary, the available evidence is currently insufficient to determine the role of this variant in disease. Therefore, it has been classified as a Variant of Uncertain Significance.

Ambry Genetics
Classification: Benign for Hereditary cancer-predisposing syndrome. Last evaluated: 2024-10-28. Review status: criteria provided, single submitter. Criteria: Ambry Variant Classification Scheme 2023. Collection method: clinical testing. Allele origin: germline.

GeneDx
Classification: Uncertain significance. Last evaluated: 2023-12-18. Review status: criteria provided, single submitter. Criteria: GeneDx Variant Classification Process June 2021. Collection method: clinical testing. Allele origin: germline.
Comment: In silico analysis supports that this missense variant does not alter protein structure/function; Has not been previously published as pathogenic or benign to our knowledge; This variant is associated with the following publications: (PMID: 31034466)

Department of Pathology and Laboratory Medicine, Sinai Health System
Classification: Uncertain significance. Review status: no assertion criteria provided. Collection method: clinical testing. Allele origin: unknown. Affected: yes. Study: The Canadian Open Genetics Repository (COGR). Not counted in ClinVar's aggregate classification.
Comment: The POLD1 p.R985Q variant was not identified in the literature nor was it identified in COSMIC. The variant was identified in dbSNP (ID: rs749159160) and ClinVar (classified as uncertain significance by Invitae). The variant was identified in control databases in 13 of 163266 chromosomes at a frequency of 0.00007962, and was observed at the highest frequency in the Latino population in 11 of 26294 chromosomes (freq: 0.0004183) (Genome Aggregation Database March 6, 2019, v2.1.1). The p.R985 residue is conserved in mammals and computational analyses (MUT Assesor, PolyPhen-2, SIFT, MutationTaster, Revel, FATHMM, MetaLR, DANN) provide inconsistent predictions regarding the impact to the protein; this information is not very predictive of pathogenicity. The variant occurs outside of the splicing consensus sequence and in silico or computational prediction software programs (Splice AI exome, dbscSNV Ada, RF) do not predict a difference in splicing. In summary, based on the above information the clinical significance of this variant cannot be determined with certainty at this time. This variant is classified as a variant of uncertain significance.

NM_002691.4(POLD1):c.2954G>A (p.Arg985Gln)

Gene: POLD1 (DNA polymerase delta 1, catalytic subunit; plus strand). Cytogenetic location: 19q13.33.
Variant type: single nucleotide variant.
Coding change: c.2954G>A on transcript NM_002691.4 (MANE Select); coding-DNA position 2954, G replaced by A.
Protein change: p.Arg985Gln; replaces arginine 985 with glutamine.
Molecular consequence: missense variant. On other transcripts: non-coding transcript variant (1).
Genome position (GRCh38, 1-based): chr19:50,416,610, G>A. VCF-style: chr19-50416610-G-A. GRCh37 (hg19) VCF-style: chr19-50919867-G-A.
Other names: c.2954G>A, p.Arg985Gln (NM_001256849.1); c.3032G>A, p.Arg1011Gln (NM_001308632.1); short protein forms R985Q, R1011Q.
Identifiers: ClinVar variation 408002 (VCV000408002.15), dbSNP rs749159160, ClinGen allele CA9596714.